The following is an entry in ClinVar:

ClinVar aggregate classification (germline): Pathogenic/Likely pathogenic. Review status: criteria provided, multiple submitters, no conflicts (2 of 4 stars). 4 submissions from 4 submitters: Pathogenic (3); Likely pathogenic (1). Last evaluated 2026-02-26.

Conditions:
Cardiovascular phenotype. Identifiers: MedGen CN230736.
Brugada syndrome 5 (BRGDA5). Identifiers: Orphanet 130, Orphanet 871, MedGen C2748541, MONDO:0013015, OMIM 612838.

Allele frequency attached by ClinVar (database versions not stated): TOPMed below 0.00001.

Submissions (4):

GeneDx
Classification: Likely pathogenic. Last evaluated: 2026-02-26. Review status: criteria provided, single submitter. Criteria: GeneDx Variant Classification Process June 2021. Collection method: clinical testing. Allele origin: germline.
Comment: Reported heterozygous in a patient with seizures and hypotonia in published literature, but familial segregation information was not provided (PMID: 29056246); Not observed at significant frequency in large population cohorts (gnomAD); Frameshift variant predicted to result in protein truncation or nonsense mediated decay in a gene for which loss of function is a known mechanism of disease; This variant is associated with the following publications: (PMID: 29056246)

Ambry Genetics
Classification: Pathogenic for Cardiovascular phenotype. Last evaluated: 2025-10-24. Review status: criteria provided, single submitter. Criteria: Ambry Variant Classification Scheme 2023. Collection method: clinical testing. Allele origin: germline.
Comment: The c.347delC (p.S116Wfs*31) alteration, located in exon 3 (coding exon 3) of the SCN1B gene, consists of a deletion of one nucleotide at position 347, causing a translational frameshift with a predicted alternate stop codon after 31 amino acids. This alteration is expected to result in loss of function by premature protein truncation or nonsense-mediated mRNA decay. for autosomal recessive SCN1B-related developmental and epileptic encephalopathy; however, its clinical significance for autosomal dominant SCN1B-related epilepsy is uncertain. This variant was not reported in population-based cohorts in the Genome Aggregation Database (gnomAD). Based on the available evidence, this alteration is classified as pathogenic.

Labcorp Genetics (formerly Invitae), Labcorp
Classification: Pathogenic for Brugada syndrome 5. Last evaluated: 2024-02-26. Review status: criteria provided, single submitter. Criteria: Invitae Variant Classification Sherloc (09022015). Collection method: clinical testing. Allele origin: germline.
Comment: This sequence change creates a premature translational stop signal (p.Ser116Trpfs*31) in the SCN1B gene. While this is not anticipated to result in nonsense mediated decay, it is expected to disrupt the last 153 amino acid(s) of the SCN1B protein. This variant is not present in population databases (gnomAD no frequency). This premature translational stop signal has been observed in individual(s) with seizures (PMID: 29056246). ClinVar contains an entry for this variant (Variation ID: 196303). Experimental studies and prediction algorithms are not available or were not evaluated, and the functional significance of this variant is currently unknown. This variant disrupts a region of the SCN1B protein in which other variant(s) (p.Trp179*) have been determined to be pathogenic (PMID: 18464934; Invitae). This suggests that this is a clinically significant region of the protein, and that variants that disrupt it are likely to be disease-causing. For these reasons, this variant has been classified as Pathogenic.

Eurofins Ntd Llc (ga)
Classification: Pathogenic. Last evaluated: 2015-03-02. Review status: criteria provided, single submitter. Criteria: EGL Classification Definitions 2015. Collection method: clinical testing. Allele origin: germline. Observed: 1 variant allele, 1 heterozygote.

Literature cited by the submitters: PubMed 29056246 (cited by Labcorp Genetics (formerly Invitae), Labcorp); PubMed 18464934 (cited by Labcorp Genetics (formerly Invitae), Labcorp).

NM_001037.5(SCN1B):c.347del (p.Ser116fs)

Gene: SCN1B (sodium voltage-gated channel beta subunit 1; plus strand). Cytogenetic location: 19q13.11.
Variant type: Deletion.
Coding change: c.347del on transcript NM_001037.5 (MANE Select); coding-DNA position 347, one base deleted (C; older notation c.347delC).
Protein change: p.Ser116fs; shifts the reading frame from serine 116.
Molecular consequence: frameshift variant.
Genome position (GRCh38, 1-based): chr19:35,033,638, C deleted. VCF-style (leftmost placement, unchanged base first): chr19-35033637-TC-T. GRCh37 (hg19) VCF-style: chr19-35524541-TC-T.
Other names: c.248del, p.Ser83fs (NM_001321605.2); c.347del, p.Ser116fs (NM_199037.5); c.347delC (NM_001037.4); c.347del (NM_001037.4); short protein forms S116fs, S83fs.
Identifiers: ClinVar variation 196303 (VCV000196303.16), dbSNP rs794727487, ClinGen allele CA275171.